The following is an entry in ClinVar:

ClinVar aggregate classification (germline): Uncertain significance (1 of 4 stars; one submission).

Conditions:
Hypertrophic cardiomyopathy. Also called: HYPERTROPHIC MYOCARDIOPATHY. Identifiers: Orphanet 217569, MedGen C0007194, MeSH D002312, MONDO:0005045, HP:0001639.

Allele frequency attached by ClinVar (database versions not stated): TOPMed below 0.00001; gnomAD 0.00001.
gnomAD v4.1: 1 of 1,613,750 alleles (0.000062%); highest among the groups gnomAD compares: Non-Finnish European, 0.000085%; no homozygotes.

Submission:

Labcorp Genetics (formerly Invitae), Labcorp
Classification: Uncertain significance for Hypertrophic cardiomyopathy. Last evaluated: 2022-12-07. Review status: criteria provided, single submitter. Criteria: Invitae Variant Classification Sherloc (09022015). Collection method: clinical testing. Allele origin: germline.
Comment: ClinVar contains an entry for this variant (Variation ID: 1495151). This variant has not been reported in the literature in individuals affected with MYOM1-related conditions. This variant is not present in population databases (gnomAD no frequency). This sequence change replaces alanine, which is neutral and non-polar, with proline, which is neutral and non-polar, at codon 1219 of the MYOM1 protein (p.Ala1219Pro). Advanced modeling of protein sequence and biophysical properties (such as structural, functional, and spatial information, amino acid conservation, physicochemical variation, residue mobility, and thermodynamic stability) performed at Invitae indicates that this missense variant is not expected to disrupt MYOM1 protein function. In summary, the available evidence is currently insufficient to determine the role of this variant in disease. Therefore, it has been classified as a Variant of Uncertain Significance.

NM_003803.4(MYOM1):c.3655G>C (p.Ala1219Pro)

Gene: MYOM1 (myomesin 1; minus strand). Cytogenetic location: 18p11.31.
Variant type: single nucleotide variant.
Coding change: c.3655G>C on transcript NM_003803.4 (MANE Select); coding-DNA position 3655, G replaced by C.
Protein change: p.Ala1219Pro; replaces alanine 1219 with proline.
Molecular consequence: missense variant.
Genome position (GRCh38, 1-based): chr18:3,100,347, C>G on the plus strand (G>C on the coding strand, the complement: MYOM1 is on the minus strand). VCF-style: chr18-3100347-C-G. GRCh37 (hg19) VCF-style: chr18-3100345-C-G.
Other names: c.3367G>C, p.Ala1123Pro (NM_019856.2); short protein forms A1219P, A1123P.
Identifiers: ClinVar variation 1495151 (VCV001495151.8), dbSNP rs1294388277, ClinGen allele CA401702079.